The following is an entry in ClinVar:

ClinVar aggregate classification (germline): Uncertain significance (1 of 4 stars; one submission).

Conditions:
Fanconi anemia (FA). Also called: Fanconi's anemia. Identifiers: Orphanet 84, MedGen C0015625, MeSH D005199, MONDO:0019391.

Submission:

Labcorp Genetics (formerly Invitae), Labcorp
Classification: Uncertain significance for Fanconi anemia. Last evaluated: 2024-03-01. Review status: criteria provided, single submitter. Criteria: Invitae Variant Classification Sherloc (09022015). Collection method: clinical testing. Allele origin: germline.
Comment: This sequence change replaces glutamic acid, which is acidic and polar, with glycine, which is neutral and non-polar, at codon 971 of the SLX4 protein (p.Glu971Gly). This variant is present in population databases (no rsID available, gnomAD 0.0009%). This variant has not been reported in the literature in individuals affected with SLX4-related conditions. Algorithms developed to predict the effect of missense changes on protein structure and function output the following: SIFT: "Not Available"; PolyPhen-2: "Benign"; Align-GVGD: "Not Available". The glycine amino acid residue is found in multiple mammalian species, which suggests that this missense change does not adversely affect protein function. In summary, the available evidence is currently insufficient to determine the role of this variant in disease. Therefore, it has been classified as a Variant of Uncertain Significance.

NM_032444.4(SLX4):c.2912A>G (p.Glu971Gly)

Gene: SLX4 (SLX4 structure-specific endonuclease subunit; minus strand). Cytogenetic location: 16p13.3.
Variant type: single nucleotide variant.
Coding change: c.2912A>G on transcript NM_032444.4 (MANE Select); coding-DNA position 2912, A replaced by G.
Protein change: p.Glu971Gly; replaces glutamic acid 971 with glycine.
Molecular consequence: missense variant.
Genome position (GRCh38, 1-based): chr16:3,590,726, T>C on the plus strand (A>G on the coding strand, the complement: SLX4 is on the minus strand). VCF-style: chr16-3590726-T-C. GRCh37 (hg19) VCF-style: chr16-3640727-T-C.
Other names: short protein forms E971G.
Identifiers: ClinVar variation 3719461 (VCV003719461.2).